The following is an entry in ClinVar:

ClinVar aggregate classification (germline): Pathogenic. Review status: reviewed by expert panel (3 of 4 stars). 4 submissions from 4 submitters: Pathogenic (1). 3 of the submissions do not count toward it. Last evaluated 2016-09-08.

Conditions:
Hereditary cancer-predisposing syndrome. Also called: Tumor predisposition; Neoplastic Syndromes, Hereditary; Hereditary Cancer Syndrome; Hereditary neoplastic syndrome. Identifiers: Orphanet 140162, MedGen C0027672, MeSH D009386, MONDO:0015356.
Hereditary breast ovarian cancer syndrome. Also called: Hereditary breast and ovarian cancer syndrome (HBOC); Hereditary breast and ovarian cancer syndrome; Hereditary breast and ovarian cancer; Hereditary breast and/or ovarian cancer syndrome; Breast and ovarian cancer; BRCA1- and BRCA2-Associated Hereditary Breast and Ovarian Cancer. Identifiers: Orphanet 145, MedGen C0677776, MeSH D061325, MONDO:0003582. Disease mechanism: loss of function.
Breast-ovarian cancer, familial, susceptibility to, 1 (BROVCA1). Also called: OVARIAN CANCER, SUSCEPTIBILITY TO; BRCA1 Hereditary Breast and Ovarian Cancer. Identifiers: Orphanet 145, MedGen C2676676, MONDO:0011450, OMIM 604370. Disease mechanism: loss of function.

Submissions (4):

Evidence-based Network for the Interpretation of Germline Mutant Alleles (ENIGMA)
Classification: Pathogenic for Breast-ovarian cancer, familial, susceptibility to, 1. Last evaluated: 2016-09-08. Review status: reviewed by expert panel. Criteria: ENIGMA BRCA1/2 Classification Criteria (2015). Collection method: curation. Allele origin: germline.
Comment: Variant allele predicted to encode a truncated non-functional protein.

Labcorp Genetics (formerly Invitae), Labcorp
Classification: Pathogenic for Hereditary breast ovarian cancer syndrome. Last evaluated: 2022-06-08. Review status: criteria provided, single submitter. Criteria: Invitae Variant Classification Sherloc (09022015). Collection method: clinical testing. Allele origin: germline. Not counted in ClinVar's aggregate classification.
Comment: For these reasons, this variant has been classified as Pathogenic. ClinVar contains an entry for this variant (Variation ID: 54644). This premature translational stop signal has been observed in individual(s) with personal and family history of breast and ovarian cancer (PMID: 11857748, 29446198). This variant is not present in population databases (gnomAD no frequency). This sequence change creates a premature translational stop signal (p.Gln895*) in the BRCA1 gene. It is expected to result in an absent or disrupted protein product. Loss-of-function variants in BRCA1 are known to be pathogenic (PMID: 20104584).

Ambry Genetics
Classification: Pathogenic for Hereditary cancer-predisposing syndrome. Last evaluated: 2016-01-06. Review status: criteria provided, single submitter. Criteria: Ambry Variant Classification Scheme 2023. Collection method: clinical testing. Allele origin: germline. Not counted in ClinVar's aggregate classification.
Comment: The p.Q895* pathogenic mutation (also known as c.2683C>T), located in coding exon 9 of the BRCA1 gene, results from a C to T substitution at nucleotide position 2683. This changes the amino acid from a glutamine to a stop codon within coding exon 9. This mutation has been reported in a Spanish high-risk breast and ovarian cancer kindred (Llort G et al. Hum. Mutat. 2002 Mar; 19(3):307). In addition to the clinical data presented in the literature, since premature stop codons are typically deleterious in nature, this alteration is interpreted as a disease-causing mutation (ACMG Recommendations for Standards for Interpretation and Reporting of Sequence Variations. Revision 2007. Genet Med. 2008;10:294).

Consortium of Investigators of Modifiers of BRCA1/2 (CIMBA), c/o University of Cambridge
Classification: Pathogenic for Breast-ovarian cancer, familial, susceptibility to, 1. Last evaluated: 2015-10-02. Review status: criteria provided, single submitter. Criteria: CIMBA Mutation Classification guidelines May 2016. Collection method: clinical testing. Allele origin: germline. Not counted in ClinVar's aggregate classification.

Literature cited by the submitters: PubMed 11857748 (cited by Labcorp Genetics (formerly Invitae), Labcorp and Ambry Genetics); PubMed 29446198 (cited by Labcorp Genetics (formerly Invitae), Labcorp); PubMed 20104584 (cited by Labcorp Genetics (formerly Invitae), Labcorp).

NM_007294.4(BRCA1):c.2683C>T (p.Gln895Ter)

Gene: BRCA1 (BRCA1 DNA repair associated; minus strand). Cytogenetic location: 17q21.31.
Variant type: single nucleotide variant.
Coding change: c.2683C>T on transcript NM_007294.4 (MANE Select); coding-DNA position 2683, C replaced by T.
Protein change: p.Gln895Ter; replaces glutamine 895 with a stop codon.
Molecular consequence: nonsense. On other transcripts: intron variant (137).
Genome position (GRCh38, 1-based): chr17:43,092,848, G>A on the plus strand (C>T on the coding strand, the complement: BRCA1 is on the minus strand). VCF-style: chr17-43092848-G-A. GRCh37 (hg19) VCF-style: chr17-41244865-G-A.
Other names: c.2539C>T, p.Gln847Ter (NM_001407843.1, NM_001407844.1, NM_001407845.1 and 20 more transcripts); c.2542C>T, p.Gln848Ter (NM_001407850.1, NM_001407851.1, NM_001407852.1 and 29 more transcripts); c.2470C>T, p.Gln824Ter (NM_001407853.1, NM_001407894.1, NM_001407895.1 and 9 more transcripts); c.2683C>T, p.Gln895Ter (NM_001407854.1, NM_001407858.1, NM_001407859.1 and 30 more transcripts); c.2680C>T, p.Gln894Ter (NM_001407860.1, NM_001407861.1, NM_001407587.1 and 22 more transcripts); c.2482C>T, p.Gln828Ter (NM_001407862.1); c.2560C>T, p.Gln854Ter (NM_001407863.1, NM_001407919.1, NM_001407937.1 and 19 more transcripts); c.2479C>T, p.Gln827Ter (NM_001407874.1, NM_001407875.1); and 41 more; short protein forms Q895*, Q848*, Q727*, Q825*, Q828*, Q894*, Q784*, Q806*.
Identifiers: ClinVar variation 54644 (VCV000054644.18), dbSNP rs397508997, ClinGen allele CA001764.